The following is an entry in ClinVar:

NM_001082486.2(ACD):c.1297A>T (p.Arg433Trp)

Gene: ACD (ACD shelterin complex subunit and telomerase recruitment factor; minus strand). Cytogenetic location: 16q22.1.
Variant type: single nucleotide variant.
Coding change: c.1297A>T on transcript NM_001082486.2 (MANE Select); coding-DNA position 1297, A replaced by T.
Protein change: p.Arg433Trp; replaces arginine 433 with tryptophan.
Molecular consequence: missense variant.
Genome position (GRCh38, 1-based): chr16:67,657,763, T>A on the plus strand (A>T on the coding strand, the complement: ACD is on the minus strand). VCF-style: chr16-67657763-T-A. GRCh37 (hg19) VCF-style: chr16-67691666-T-A.
Other names: c.1210A>T, p.Arg404Trp (NM_001410884.1); c.1288A>T, p.Arg430Trp (NM_022914.3); short protein forms R404W, R430W, R433W.
Identifiers: ClinVar variation 1775139 (VCV001775139.2), dbSNP rs1407657316, ClinGen allele CA396349779.
Genomic context (GRCh38, chr16:67,657,763, plus strand): 5'-TGCAGGTCAATGGAGCCTGGGACTAGTGACCAAGAGTTGGGGCAGACCCAGGCACTCACC[T>A]GACAGCTTGGACCCGAGCACAGAGGGACGTGCAGGGTGGCTCATACTCATACTGGAAGGC-3'
Protein context (NP_001075955.2, residues 423-443): TSLCARVQAV[Arg433Trp]LPPQLMAWAL

ClinVar aggregate classification (germline): Uncertain significance (1 of 4 stars; one submission).

Conditions:
Inborn genetic diseases. Identifiers: MedGen C0950123, MeSH D030342.

gnomAD v4.1: 2 of 1,613,964 alleles (0.00012%); highest among the groups gnomAD compares: African/African-American, 0.0013%; no homozygotes.

Submission:

Ambry Genetics
Classification: Uncertain significance for Inborn genetic diseases. Last evaluated: 2023-11-15. Review status: criteria provided, single submitter. Criteria: Ambry Variant Classification Scheme 2023. Collection method: clinical testing. Allele origin: germline.
Comment: The p.R519W variant (also known as c.1555A>T), located in coding exon 11 of the ACD gene, results from an A to T substitution at nucleotide position 1555. The arginine at codon 519 is replaced by tryptophan, an amino acid with dissimilar properties. This amino acid position is conserved. In addition, this alteration is predicted to be tolerated by in silico analysis. Since supporting evidence is limited at this time, the clinical significance of this alteration remains unclear.